The following is an entry in ClinVar:

ClinVar aggregate classification (germline): Uncertain significance (1 of 4 stars; one submission).

Submission:

Labcorp Genetics (formerly Invitae), Labcorp
Classification: Uncertain significance. Last evaluated: 2024-08-12. Review status: criteria provided, single submitter. Criteria: Invitae Variant Classification Sherloc (09022015). Collection method: clinical testing. Allele origin: germline.
Comment: This sequence change replaces arginine, which is basic and polar, with glutamine, which is neutral and polar, at codon 29 of the KIF22 protein (p.Arg29Gln). This variant is present in population databases (no rsID available, gnomAD 0.003%). This variant has not been reported in the literature in individuals affected with KIF22-related conditions. An algorithm developed to predict the effect of missense changes on protein structure and function outputs the following: PolyPhen-2: "Benign". The glutamine amino acid residue is found in multiple mammalian species, which suggests that this missense change does not adversely affect protein function. In summary, the available evidence is currently insufficient to determine the role of this variant in disease. Therefore, it has been classified as a Variant of Uncertain Significance.

NM_007317.3(KIF22):c.86G>A (p.Arg29Gln)

Gene: KIF22 (kinesin family member 22; plus strand). Cytogenetic location: 16p11.2.
Variant type: single nucleotide variant.
Coding change: c.86G>A on transcript NM_007317.3 (MANE Select); coding-DNA position 86, G replaced by A.
Protein change: p.Arg29Gln; replaces arginine 29 with glutamine.
Molecular consequence: missense variant. On other transcripts: 5 prime UTR variant (2).
Genome position (GRCh38, 1-based): chr16:29,796,908, G>A. VCF-style: chr16-29796908-G-A. GRCh37 (hg19) VCF-style: chr16-29808229-G-A.
Other names: c.-119G>A (NM_001256269.2, NM_001256270.1); short protein forms R29Q.
Identifiers: ClinVar variation 3611511 (VCV003611511.2).